The following is an entry in ClinVar:

NM_000548.5(TSC2):c.517T>C (p.Ser173Pro)

Gene: TSC2 (TSC complex subunit 2; plus strand). Cytogenetic location: 16p13.3.
Variant type: single nucleotide variant.
Coding change: c.517T>C on transcript NM_000548.5 (MANE Select); coding-DNA position 517, T replaced by C.
Protein change: p.Ser173Pro; replaces serine 173 with proline.
Molecular consequence: missense variant. On other transcripts: 5 prime UTR variant (13), non-coding transcript variant (5), intron variant (6).
Genome position (GRCh38, 1-based): chr16:2,055,437, T>C. VCF-style: chr16-2055437-T-C. GRCh37 (hg19) VCF-style: chr16-2105438-T-C.
Other names: c.517T>C, p.Ser173Pro (NM_001077183.3, NM_001114382.3, NM_001363528.2 and 8 more transcripts); c.406T>C, p.Ser136Pro (NM_001318827.2, NM_001406670.1, NM_001406678.1); c.370T>C, p.Ser124Pro (NM_001318829.2, NM_001406675.1, NM_001406676.1 and 1 more transcripts); c.550T>C, p.Ser184Pro (NM_001318832.2); c.607T>C, p.Ser203Pro (NM_001406667.1, NM_001406668.1); c.460T>C, p.Ser154Pro (NM_001406677.1); c.-300T>C (NM_001406680.1, NM_001406683.1, NM_001406687.1); c.55T>C, p.Ser19Pro (NM_001406681.1); and 6 more; short protein forms S124P, S136P, S154P, S173P, S184P, S19P, S203P.
Identifiers: ClinVar variation 3074954 (VCV003074954.3), dbSNP rs2151059325, ClinGen allele CA394309274.

ClinVar aggregate classification (germline): Uncertain significance. Review status: criteria provided, multiple submitters, no conflicts (2 of 4 stars). 2 submissions from 2 submitters: Uncertain significance (2). Last evaluated 2024-11-26.

Conditions:
Tuberous sclerosis syndrome (TSC). Also called: Tuberous Sclerosis Complex; Tuberous sclerosis. Identifiers: Orphanet 805, MedGen C0041341, MONDO:0001734.
Tuberous sclerosis 2 (TSC2). Identifiers: Orphanet 805, MedGen C1860707, MONDO:0013199, OMIM 613254.

Submissions (2):

Labcorp Genetics (formerly Invitae), Labcorp
Classification: Uncertain significance for Tuberous sclerosis 2. Last evaluated: 2024-11-26. Review status: criteria provided, single submitter. Criteria: Invitae Variant Classification Sherloc (09022015). Collection method: clinical testing. Allele origin: germline.
Comment: This sequence change replaces serine, which is neutral and polar, with proline, which is neutral and non-polar, at codon 173 of the TSC2 protein (p.Ser173Pro). This variant is not present in population databases (gnomAD no frequency). This variant has not been reported in the literature in individuals affected with TSC2-related conditions. ClinVar contains an entry for this variant (Variation ID: 3074954). Invitae Evidence Modeling of protein sequence and biophysical properties (such as structural, functional, and spatial information, amino acid conservation, physicochemical variation, residue mobility, and thermodynamic stability) indicates that this missense variant is not expected to disrupt TSC2 protein function with a negative predictive value of 95%. In summary, the available evidence is currently insufficient to determine the role of this variant in disease. Therefore, it has been classified as a Variant of Uncertain Significance.

All of Us Research Program, National Institutes of Health
Classification: Uncertain significance for Tuberous sclerosis syndrome. Last evaluated: 2024-01-11. Review status: criteria provided, single submitter. Criteria: ACMG Guidelines, 2015. Collection method: clinical testing. Allele origin: germline. Inheritance: Autosomal dominant inheritance. Observed: 1 variant allele, 1 heterozygote.
Comment: This study involves interpretation of variants in research participants for the purpose of population health screening. Participant phenotype was not available at the time of variant classification. Additional details can be found in publication PMID: 35346344, PMCID: PMC8962531